The following is an entry in ClinVar:

NM_000937.5(POLR2A):c.2559G>A (p.Lys853=)

Genes: POLR2A (RNA polymerase II subunit A; plus strand), LOC126862481 (BRD4-independent group 4 enhancer GRCh37_chr17:7405086-7406285; plus strand). Cytogenetic location: 17p13.1.
Variant type: single nucleotide variant.
Coding change: c.2559G>A on transcript NM_000937.5 (MANE Select); coding-DNA position 2559, G replaced by A.
Protein change: p.Lys853=; no amino-acid change (lysine 853 retained).
Molecular consequence: synonymous variant.
Genome position (GRCh38, 1-based): chr17:7,502,109, G>A. VCF-style: chr17-7502109-G-A. GRCh37 (hg19) VCF-style: chr17-7405428-G-A.
Identifiers: ClinVar variation 3025434 (VCV003025434.23), dbSNP rs144921993, ClinGen allele CA8349722.
Genomic context (GRCh38, chr17:7,502,109, plus strand): 5'-CACTGAGTTCTTTTTCCACGCCATGGGGGGTCGTGAGGGGCTCATTGACACGGCTGTCAA[G>A]ACTGCTGAGACTGGTGAGGCTTTCCTCAGGGGTCTTCCTTGGGCTGTTAGCAGGGACTGC-3'
Protein context (NP_000928.1, residues 843-863): GREGLIDTAV[Lys853=]TAETGYIQRR

ClinVar aggregate classification (germline): Likely benign. Review status: criteria provided, multiple submitters, no conflicts (2 of 4 stars). 2 submissions from 2 submitters: Likely benign (2). Last evaluated 2024-10-02.

Allele frequency attached by ClinVar (database versions not stated): gnomAD exomes 0.00022; ExAC 0.00069; gnomAD 0.00216; TOPMed 0.00227; ESP Exome Variant Server 0.00231; 1000 Genomes Project 0.00240; 1000 Genomes Project 30x 0.00250.

Submissions (2):

Blueprint Genetics
Classification: Likely benign. Last evaluated: 2024-10-02. Review status: criteria provided, single submitter. Criteria: ACMG Guidelines, 2015. Collection method: clinical testing. Allele origin: germline.

CeGaT Center for Human Genetics Tuebingen
Classification: Likely benign. Last evaluated: 2023-12-01. Review status: criteria provided, single submitter. Criteria: CeGaT Center For Human Genetics Tuebingen Variant Classification Criteria Version 2. Collection method: clinical testing. Allele origin: germline. Affected: yes. Observed: 1 variant allele.
Comment: POLR2A: BP4, BS1